The following is an entry in ClinVar:

NM_205768.3(ZBTB18):c.1349C>T (p.Thr450Ile)

Gene: ZBTB18 (zinc finger and BTB domain containing 18; plus strand). Cytogenetic location: 1q44.
Variant type: single nucleotide variant.
Coding change: c.1349C>T on transcript NM_205768.3 (MANE Select); coding-DNA position 1349, C replaced by T.
Protein change: p.Thr450Ile; replaces threonine 450 with isoleucine.
Molecular consequence: missense variant. On other transcripts: 3 prime UTR variant (1).
Genome position (GRCh38, 1-based): chr1:244,055,123, C>T. VCF-style: chr1-244055123-C-T. GRCh37 (hg19) VCF-style: chr1-244218425-C-T.
Other names: c.1322C>T, p.Thr441Ile (NM_001278196.2, NM_006352.5); c.*526C>T (NM_001421566.1); short protein forms T441I, T450I.
Identifiers: ClinVar variation 4885219 (VCV004885219.2).
Genomic context (GRCh38, chr1:244,055,123, plus strand): 5'-GCATGTACACCCTCAAGCGCCACGAGAGGACTCACTCGGGGGAGAAGCCCTACACATGCA[C>T]CCAGTGCGGCAAGAGCTTCCAGTACTCGCACAACCTGAGCCGCCATGCCGTGGTGCACAC-3'
Protein context (NP_991331.1, residues 440-460): THSGEKPYTC[Thr450Ile]QCGKSFQYSH

ClinVar aggregate classification (germline): Uncertain significance (1 of 4 stars; one submission).

Submission:

Dasa
Classification: Uncertain significance. Last evaluated: 2024-10-11. Review status: criteria provided, single submitter. Criteria: DASA Assertion Criteria. Collection method: clinical testing. Allele origin: germline.
Comment: NM_205768.3(ZBTB18):c.1349C>T (p.Thr450Ile) is a missense variant that results in the substitution of threonine with isoleucine. This variant is rare in population databases. Computational prediction algorithms are consistent with a benign effect. The currently available literature and clinical evidence are not sufficient to establish a definitive association between this variant and the reported condition. Therefore, this variant is classified as a variant of uncertain significance.